The following is an entry in ClinVar:

ClinVar aggregate classification (germline): Uncertain significance (1 of 4 stars; one submission).

Conditions:
Mosaic variegated aneuploidy syndrome 1 (MVA1). Also called: Warburton-Anyane-Yeboa syndrome. Identifiers: Orphanet 1052, MedGen C1850343, MONDO:0009759, OMIM 257300.

Allele frequency attached by ClinVar (database versions not stated): gnomAD exomes below 0.00001.
gnomAD v4.1: 1 of 1,609,734 alleles (0.000062%); highest among the groups gnomAD compares: Non-Finnish European, 0.000085%; no homozygotes.

Submission:

Labcorp Genetics (formerly Invitae), Labcorp
Classification: Uncertain significance for Mosaic variegated aneuploidy syndrome 1. Last evaluated: 2020-07-16. Review status: criteria provided, single submitter. Criteria: Invitae Variant Classification Sherloc (09022015). Collection method: clinical testing. Allele origin: germline.
Comment: Algorithms developed to predict the effect of sequence changes on RNA splicing suggest that this variant may create or strengthen a splice site, but this prediction has not been confirmed by published transcriptional studies. In summary, the available evidence is currently insufficient to determine the role of this variant in disease. Therefore, it has been classified as a Variant of Uncertain Significance. This sequence change replaces cysteine with tryptophan at codon 578 of the BUB1B protein (p.Cys578Trp). The cysteine residue is weakly conserved and there is a large physicochemical difference between cysteine and tryptophan. This variant is not present in population databases (ExAC no frequency). This variant has not been reported in the literature in individuals with BUB1B-related conditions. Algorithms developed to predict the effect of missense changes on protein structure and function are either unavailable or do not agree on the potential impact of this missense change (SIFT: "Tolerated"; PolyPhen-2: "Probably Damaging"; Align-GVGD: "Class C0").

NM_001211.6(BUB1B):c.1734T>G (p.Cys578Trp)

Gene: BUB1B (BUB1 mitotic checkpoint serine/threonine kinase B; plus strand). Cytogenetic location: 15q15.1.
Variant type: single nucleotide variant.
Coding change: c.1734T>G on transcript NM_001211.6 (MANE Select); coding-DNA position 1734, T replaced by G.
Protein change: p.Cys578Trp; replaces cysteine 578 with tryptophan.
Molecular consequence: missense variant.
Genome position (GRCh38, 1-based): chr15:40,202,694, T>G. VCF-style: chr15-40202694-T-G. GRCh37 (hg19) VCF-style: chr15-40494895-T-G.
Other names: short protein forms C578W.
Identifiers: ClinVar variation 1041215 (VCV001041215.10), dbSNP rs2037589344, ClinGen allele CA391691748.
Genomic context (GRCh38, chr15:40,202,694, plus strand): 5'-TGCAGTTCTCAAAACCTCAGAAAGCATCACCTCAAATGAAGATGTGTCTCCAGATGTTTG[T>G]GTAAGGAGCAGTATCCTTAAGTTAATGTAAATGGGCTAGTGGATTGTTTATTCAAAACCA-3'
Protein context (NP_001202.5, residues 568-588): TSNEDVSPDV[Cys578Trp]DEFTGIEPLS